The following is an entry in ClinVar:

ClinVar aggregate classification (germline): Uncertain significance (0 of 4 stars; one submission).

Conditions:
CDH5-related condition.

Submission:

PreventionGenetics, part of Exact Sciences
Classification: Uncertain significance for CDH5-related condition. Last evaluated: 2024-06-27. Review status: no assertion criteria provided. Collection method: clinical testing. Allele origin: germline.
Comment: The CDH5 c.1610C>T variant is predicted to result in the amino acid substitution p.Thr537Ile. To our knowledge, this variant has not been reported in the literature or in a large population database, indicating this variant is rare. At this time, the clinical significance of this variant is uncertain due to the absence of conclusive functional and genetic evidence.

NM_001795.5(CDH5):c.1610C>T (p.Thr537Ile)

Gene: CDH5 (cadherin 5; plus strand). Cytogenetic location: 16q21.
Variant type: single nucleotide variant.
Coding change: c.1610C>T on transcript NM_001795.5 (MANE Select); coding-DNA position 1610, C replaced by T.
Protein change: p.Thr537Ile; replaces threonine 537 with isoleucine.
Molecular consequence: missense variant.
Genome position (GRCh38, 1-based): chr16:66,400,789, C>T. VCF-style: chr16-66400789-C-T. GRCh37 (hg19) VCF-style: chr16-66434692-C-T.
Other names: short protein forms T537I.
Identifiers: ClinVar variation 3346827 (VCV003346827.1).